The following is an entry in ClinVar:

NM_022773.4(LMF1):c.97C>T (p.Pro33Ser)

Genes: LMF1 (lipase maturation factor 1; minus strand), LOC130058141 (ATAC-STARR-seq lymphoblastoid silent region 6962; plus strand). Cytogenetic location: 16p13.3.
Variant type: single nucleotide variant.
Coding change: c.97C>T on transcript NM_022773.4 (MANE Select); coding-DNA position 97, C replaced by T.
Protein change: p.Pro33Ser; replaces proline 33 with serine.
Molecular consequence: missense variant. On other transcripts: 5 prime UTR variant (1), non-coding transcript variant (1), intron variant (3).
Genome position (GRCh38, 1-based): chr16:970,884, G>A on the plus strand (C>T on the coding strand, the complement: LMF1 is on the minus strand). VCF-style: chr16-970884-G-A. GRCh37 (hg19) VCF-style: chr16-1020884-G-A.
Other names: c.97C>T, p.Pro33Ser (NM_001352020.1); c.-609C>T (NM_001352021.2); c.-135+10261C>T (NM_001352019.2); c.-611+10261C>T (NM_001352017.2); c.-362+10261C>T (NM_001352018.2); short protein forms P33S.
Identifiers: ClinVar variation 1768248 (VCV001768248.4), dbSNP rs763820508, ClinGen allele CA7797783.
Genomic context (GRCh38, chr16:970,884, plus strand): 5'-GGGTCAGCCAGAAGGTGCCCGTGTGGAGATGGGCCGGAGAGCCTGCGGGGCCACGCCCCG[G>A]CGCGGGCGGCGACTCAGGCTCCGGATCCGAGTACCCAGTCTTCCGCCTCCTCAGCGACTC-3'
Protein context (NP_073610.2, residues 23-43): SDPEPESPPA[Pro33Ser]GRGPAGSPAH

ClinVar aggregate classification (germline): Uncertain significance. Review status: criteria provided, multiple submitters, no conflicts (2 of 4 stars). 2 submissions from 2 submitters: Uncertain significance (2). Last evaluated 2026-08-25.

Conditions:
Cardiovascular phenotype. Identifiers: MedGen CN230736.
LMF1-related disorder. Also called: LMF1-related condition.

Allele frequency attached by ClinVar (database versions not stated): gnomAD 0.00001; ExAC 0.00012; 1000 Genomes Project 30x 0.00016.
gnomAD v4.1: 56 of 1,572,752 alleles (0.0036%); highest among the groups gnomAD compares: East Asian, 0.13%; 1 homozygote.

Submissions (2):

PreventionGenetics, part of Exact Sciences
Classification: Uncertain significance for LMF1-related condition. Last evaluated: 2026-08-25. Review status: criteria provided, single submitter. Criteria: ACMG Guidelines, 2015. Collection method: clinical testing. Allele origin: germline.
Comment: The LMF1 c.97C>T variant is predicted to result in the amino acid substitution p.Pro33Ser. This variant has been reported in a cohort study with hypertriglyceridemia (Table S2, Deshotels et al. 2022. PubMed ID: 36325899). This variant is reported in 0.062% of alleles in individuals of East Asian descent in gnomAD. Although we suspect that this variant may be benign, at this time, the clinical significance of this variant is uncertain due to the absence of conclusive functional and genetic evidence.

Ambry Genetics
Classification: Uncertain significance for Cardiovascular phenotype. Last evaluated: 2024-09-30. Review status: criteria provided, single submitter. Criteria: Ambry Variant Classification Scheme 2023. Collection method: clinical testing. Allele origin: germline.
Comment: The p.P33S variant (also known as c.97C>T), located in coding exon 1 of the LMF1 gene, results from a C to T substitution at nucleotide position 97. The proline at codon 33 is replaced by serine, an amino acid with similar properties. This amino acid position is conserved. In addition, this alteration is predicted to be tolerated by in silico analysis. Since supporting evidence is limited at this time, the clinical significance of this alteration remains unclear.